The following is an entry in ClinVar:

ClinVar aggregate classification (germline): Uncertain significance. Review status: criteria provided, multiple submitters, no conflicts (2 of 4 stars). 3 submissions from 3 submitters: Uncertain significance (3). Last evaluated 2026-07-07.

Conditions:
PLXNA2-related disorder. Also called: PLXNA2-related condition.

Allele frequency attached by ClinVar (database versions not stated): gnomAD exomes 0.00003; ExAC 0.00004; TOPMed 0.00004; gnomAD 0.00007.
gnomAD v4.1: 54 of 1,613,982 alleles (0.0033%); highest among the groups gnomAD compares: Middle Eastern, 0.099%; no homozygotes.

Submissions (3):

PreventionGenetics, part of Exact Sciences
Classification: Uncertain significance for PLXNA2-related condition. Last evaluated: 2026-07-07. Review status: criteria provided, single submitter. Criteria: ACMG Guidelines, 2015. Collection method: clinical testing. Allele origin: germline.
Comment: The PLXNA2 c.1919A>G variant is predicted to result in the amino acid substitution p.Lys640Arg. To our knowledge, this variant has not been reported in the literature. This variant is reported in 0.0062% of alleles in individuals of European (Non-Finnish) descent in gnomAD. At this time, the clinical significance of this variant is uncertain due to the absence of conclusive functional and genetic evidence.

Labcorp Genetics (formerly Invitae), Labcorp
Classification: Uncertain significance. Last evaluated: 2026-01-07. Review status: criteria provided, single submitter. Criteria: Invitae Variant Classification Sherloc (09022015). Collection method: clinical testing. Allele origin: germline.
Comment: This sequence change replaces lysine, which is basic and polar, with arginine, which is basic and polar, at codon 640 of the PLXNA2 protein (p.Lys640Arg). This variant is present in population databases (rs769833670, gnomAD 0.006%). This variant has not been reported in the literature in individuals affected with PLXNA2-related conditions. ClinVar contains an entry for this variant (Variation ID: 2173182). Invitae Evidence Modeling of protein sequence and biophysical properties (such as structural, functional, and spatial information, amino acid conservation, physicochemical variation, residue mobility, and thermodynamic stability) indicates that this missense variant is not expected to disrupt PLXNA2 protein function with a negative predictive value of 80%. In summary, the available evidence is currently insufficient to determine the role of this variant in disease. Therefore, it has been classified as a Variant of Uncertain Significance.

Ambry Genetics
Classification: Uncertain significance. Last evaluated: 2023-10-25. Review status: criteria provided, single submitter. Criteria: Ambry Variant Classification Scheme 2023. Collection method: clinical testing. Allele origin: germline.

NM_025179.4(PLXNA2):c.1919A>G (p.Lys640Arg)

Gene: PLXNA2 (plexin A2; minus strand). Cytogenetic location: 1q32.2.
Variant type: single nucleotide variant.
Coding change: c.1919A>G on transcript NM_025179.4 (MANE Select); coding-DNA position 1919, A replaced by G.
Protein change: p.Lys640Arg; replaces lysine 640 with arginine.
Molecular consequence: missense variant.
Genome position (GRCh38, 1-based): chr1:208,096,092, T>C on the plus strand (A>G on the coding strand, the complement: PLXNA2 is on the minus strand). VCF-style: chr1-208096092-T-C. GRCh37 (hg19) VCF-style: chr1-208269437-T-C.
Other names: c.1919A>G (NM_025179.3); short protein forms K640R.
Identifiers: ClinVar variation 2173182 (VCV002173182.9), dbSNP rs769833670, ClinGen allele CA1373675.